The following is an entry in ClinVar:

NM_005956.4(MTHFD1):c.1958G>A (p.Arg653Gln)

Gene: MTHFD1 (methylenetetrahydrofolate dehydrogenase, cyclohydrolase and formyltetrahydrofolate synthetase 1; plus strand). Cytogenetic location: 14q23.3.
Variant type: single nucleotide variant.
Coding change: c.1958G>A on transcript NM_005956.4 (MANE Select); coding-DNA position 1958, G replaced by A.
Protein change: p.Arg653Gln; replaces arginine 653 with glutamine.
Molecular consequence: missense variant.
Genome position (GRCh38, 1-based): chr14:64,442,127, G>A. VCF-style: chr14-64442127-G-A. GRCh37 (hg19) VCF-style: chr14-64908845-G-A.
Other names: c.1958G>A, p.Arg653Gln (NM_001364837.1); short protein forms R653Q.
Identifiers: ClinVar variation 13633 (VCV000013633.23), dbSNP rs2236225, ClinGen allele CA123309.

ClinVar aggregate classification (germline): Benign/Likely benign. Review status: criteria provided, multiple submitters, no conflicts (2 of 4 stars). 9 submissions from 9 submitters: Benign (5); Likely benign (3). 1 of the submissions does not count toward it. Last evaluated 2026-02-04.

Conditions:
Combined immunodeficiency and megaloblastic anemia with or without hyperhomocysteinemia. Also called: METHYLENETETRAHYDROFOLATE DEHYDROGENASE 1 DEFICIENCY; COMBINED IMMUNODEFICIENCY AND MEGALOBLASTIC ANEMIA. Identifiers: Orphanet 658813, MedGen C4540434, MONDO:0060611, OMIM 617780.
Neural tube defects, folate-sensitive, susceptibility to.

Allele frequency attached by ClinVar (database versions not stated): 1000 Genomes Project 0.34185; 1000 Genomes Project 30x 0.34322; TOPMed 0.38064; gnomAD 0.38175 and 0.38508; ExAC 0.43540; gnomAD exomes 0.44385 and 0.44984.
gnomAD v4.1: 714,970 of 1,613,486 alleles (44%); highest among the groups gnomAD compares: Admixed American, 56%; 162,717 homozygotes.

Submissions (9):

Labcorp Genetics (formerly Invitae), Labcorp
Classification: Benign. Last evaluated: 2026-02-04. Review status: criteria provided, single submitter. Criteria: Invitae Variant Classification Sherloc (09022015). Collection method: clinical testing. Allele origin: germline.

Blueprint Genetics
Classification: Likely benign. Last evaluated: 2024-11-27. Review status: criteria provided, single submitter. Criteria: ACMG Guidelines, 2015. Collection method: clinical testing. Allele origin: germline.

Women's Health and Genetics/Laboratory Corporation of America, LabCorp
Classification: Likely benign. Last evaluated: 2021-12-03. Review status: criteria provided, single submitter. Criteria: LabCorp Variant Classification Summary - May 2015. Collection method: clinical testing. Allele origin: germline.

Genome-Nilou Lab
Classification: Benign for Combined immunodeficiency and megaloblastic anemia with or without hyperhomocysteinemia. Last evaluated: 2021-09-05. Review status: criteria provided, single submitter. Criteria: ACMG Guidelines, 2015. Collection method: clinical testing. Allele origin: germline. Affected: no.

GeneDx
Classification: Benign. Last evaluated: 2021-06-09. Review status: criteria provided, single submitter. Criteria: GeneDx Variant Classification Process June 2021. Collection method: clinical testing. Allele origin: germline. Affected: yes.
Comment: This variant is associated with the following publications: (PMID: 24977710, 23685927, 12384833, 25525159, 16123074, 24368157, 18767138, 16552426, 21615938)

Mayo Clinic Laboratories, Mayo Clinic
Classification: Benign. Last evaluated: 2018-03-21. Review status: criteria provided, single submitter. Criteria: ACMG Guidelines, 2015. Collection method: clinical testing. Allele origin: germline. Observed: 122 variant alleles.

Laboratory for Molecular Medicine, Mass General Brigham Personalized Medicine
Classification: Benign. Last evaluated: 2016-03-29. Review status: criteria provided, single submitter. Criteria: LMM Criteria. Collection method: clinical testing. Allele origin: germline.
Comment: Variant identified in a genome or exome case(s) and assessed due to predicted null impact of the variant or pathogenic assertions in the literature or databases. Disclaimer: This variant has not undergone full assessment. The following are preliminary notes: Frequency, variant associated with elevated BMI, temporomandibular disorder, neural tube defects, and decreased risk for congenital heart defects. Overall, not convincing.

Breakthrough Genomics
Classification: Likely benign. Review status: criteria provided, single submitter. Criteria: ACMG Guidelines, 2015. Collection method: not provided. Allele origin: germline. Inheritance: Autosomal dominant inheritance. Affected: yes.

OMIM
Classification: risk factor for NEURAL TUBE DEFECTS, FOLATE-SENSITIVE, SUSCEPTIBILITY TO. Last evaluated: 2008-03-01. Review status: no assertion criteria provided. Collection method: literature only. Allele origin: germline. Not counted in ClinVar's aggregate classification.

Literature cited by the submitters: Hol, F. A., van der Put, N. M. J., Geurds, M. P. A., Heil, S. G., Trijbels, F. J. M., Hamel, B. C. J., Mariman, E. C. M., Blom, H. J. Molecular genetic analysis of the gene encoding the trifunctional enzyme MTHFD (methylenetetrahydrofolate-dehydrogenase, methenyltetrahydrofolate-cyclohydrolase, formyltetrahydrofolate synthetase) in patients with neural tube defects. Clin. Genet. 53: 119-125, 1998. (cited by OMIM); Brody, L. C., Conley, M., Cox, C., Kirke, P. N., McKeever, M. P., Mills, J. L., Molloy, A. M., O'Leary, V. B., Parle-McDermott, A., Scott, J. M., Swanson, D. A. A polymorphism, R653Q, in the trifunctional enzyme methylenetetrahydrofolate dehydrogenase/methenyltetrahydrofolate cyclohydrolase/formyltetrahydrofolate synthetase is a maternal genetic risk factor for neural tube defects: report of the birth defects research group. Am. J. Hum. Genet. 71: 1207-1215, 2002. (cited by OMIM); PubMed 16315005 (cited by OMIM); PubMed 16552426 (cited by OMIM); PubMed 17894836 (cited by OMIM); PubMed 15633187 (cited by OMIM); PubMed 18277167 (cited by OMIM).